The following is an entry in ClinVar:

ClinVar aggregate classification (germline): Uncertain significance (1 of 4 stars; one submission).

Submission:

CeGaT Center for Human Genetics Tuebingen
Classification: Uncertain significance. Last evaluated: 2026-04-01. Review status: criteria provided, single submitter. Criteria: CeGaT Center For Human Genetics Tuebingen Variant Classification Criteria Version 2. Collection method: clinical testing. Allele origin: germline. Affected: yes. Observed: 1 variant allele.
Comment: BRSK2: PM2, PM6:Supporting, PP3, PS4:Supporting

NM_001256627.2(BRSK2):c.772C>T (p.Arg258Cys)

Gene: BRSK2 (BR serine/threonine kinase 2; plus strand). Cytogenetic location: 11p15.5.
Variant type: single nucleotide variant.
Coding change: c.772C>T on transcript NM_001256627.2 (MANE Select); coding-DNA position 772, C replaced by T.
Protein change: p.Arg258Cys; replaces arginine 258 with cysteine.
Molecular consequence: missense variant. On other transcripts: non-coding transcript variant (1).
Genome position (GRCh38, 1-based): chr11:1,443,627, C>T. VCF-style: chr11-1443627-C-T. GRCh37 (hg19) VCF-style: chr11-1464857-C-T.
Other names: c.772C>T, p.Arg258Cys (NM_001256629.2, NM_001440665.1, NM_003957.4 and 3 more transcripts); c.910C>T, p.Arg304Cys (NM_001256630.1, NM_001440667.1); c.592C>T, p.Arg198Cys (NM_001282218.2, NM_001440676.1, NM_001440669.1 and 5 more transcripts); short protein forms R198C, R258C, R304C.
Identifiers: ClinVar variation 4874650 (VCV004874650.2).